The following is an entry in ClinVar:

NM_004370.6(COL12A1):c.*16G>T

Gene: COL12A1 (collagen type XII alpha 1 chain; minus strand). Cytogenetic location: 6q13.
Variant type: single nucleotide variant.
Coding change: c.*16G>T on transcript NM_004370.6 (MANE Select); 16 bases downstream of the stop codon, G replaced by T.
Molecular consequence: 3 prime UTR variant.
Genome position (GRCh38, 1-based): chr6:75,086,531, C>A on the plus strand (G>T on the coding strand, the complement: COL12A1 is on the minus strand). VCF-style: chr6-75086531-C-A. GRCh37 (hg19) VCF-style: chr6-75796247-C-A.
Other names: NC_000006.11:g.75796247C>A; c.*16G>T (NM_080645.3).
Identifiers: ClinVar variation 1204035 (VCV001204035.6), dbSNP rs114679644, ClinGen allele CA3891976.

ClinVar aggregate classification (germline): Benign/Likely benign. Review status: criteria provided, multiple submitters, no conflicts (2 of 4 stars). 3 submissions from 3 submitters: Benign (1); Likely benign (2). Last evaluated 2024-11-19.

Allele frequency attached by ClinVar (database versions not stated): 1000 Genomes Project 0.00180; 1000 Genomes Project 30x 0.00203; ESP Exome Variant Server 0.00276.

Submissions (7):

Women's Health and Genetics/Laboratory Corporation of America, LabCorp
Classification: Benign. Last evaluated: 2024-11-19. Review status: criteria provided, single submitter. Criteria: LabCorp Variant Classification Summary - May 2015. Collection method: clinical testing. Allele origin: germline.
Comment: Variant summary: COL12A1 c.*16G>T is located in the untranslated mRNA region downstream of the termination codon. The variant allele was found at a frequency of 0.00044 in 247574 control chromosomes, predominantly at a frequency of 0.0061 within the African or African-American subpopulation in the gnomAD database. The observed variant frequency within African or African-American control individuals in the gnomAD database is approximately 2 fold of the estimated maximal expected allele frequency for a pathogenic variant in COL12A1 causing Ullrich congenital muscular dystrophy 2 phenotype (0.0035). To our knowledge, no occurrence of c.*16G>T in individuals affected with Ullrich congenital muscular dystrophy 2 and no experimental evidence demonstrating its impact on protein function have been reported. ClinVar contains an entry for this variant (Variation ID: 1204035). Based on the evidence outlined above, the variant was classified as benign.

Blueprint Genetics
Classification: Likely benign. Last evaluated: 2024-10-09. Review status: criteria provided, single submitter. Criteria: ACMG Guidelines, 2015. Collection method: clinical testing. Allele origin: germline.

GeneDx
Classification: Likely benign. Last evaluated: 2020-07-28. Review status: criteria provided, single submitter. Criteria: GeneDx Variant Classification Process June 2021. Collection method: clinical testing. Allele origin: germline. Affected: yes.

Dr. Peter K. Rogan Lab, Western University
No classification provided (evidence only). Condition: Uterine corpus endometrial carcinoma. Review status: no classification provided. Collection method: in vitro. Allele origin: not applicable. Functional consequence: retained intron. Not counted in ClinVar's aggregate classification.

Dr. Peter K. Rogan Lab, Western University
No classification provided (evidence only). Condition: Uterine corpus endometrial carcinoma. Review status: no classification provided. Collection method: in vitro. Allele origin: not applicable. Functional consequence: retained intron. Not counted in ClinVar's aggregate classification.

Dr. Peter K. Rogan Lab, Western University
No classification provided (evidence only). Condition: Cervical cancer. Review status: no classification provided. Collection method: in vitro. Allele origin: not applicable. Functional consequence: retained intron. Not counted in ClinVar's aggregate classification.

Dr. Peter K. Rogan Lab, Western University
No classification provided (evidence only). Condition: Sarcoma. Review status: no classification provided. Collection method: in vitro. Allele origin: not applicable. Functional consequence: retained intron. Not counted in ClinVar's aggregate classification.